The following is an entry in ClinVar:

ClinVar aggregate classification (germline): Benign (1 of 4 stars; one submission).

Allele frequency attached by ClinVar (database versions not stated): 1000 Genomes Project 30x 0.00765; 1000 Genomes Project 0.00839; gnomAD exomes 0.01515; TOPMed 0.01615; gnomAD 0.02222 and 0.02286.
gnomAD v4.1: 3,361 of 152,512 alleles (2.2%); highest among the groups gnomAD compares: Non-Finnish European, 3.3%; 55 homozygotes.

Submission:

GeneDx
Classification: Benign. Last evaluated: 2018-06-20. Review status: criteria provided, single submitter. Criteria: GeneDx Variant Classification (06012015). Collection method: clinical testing. Allele origin: germline. Affected: yes.
Comment: This variant is considered likely benign or benign based on one or more of the following criteria: it is a conservative change, it occurs at a poorly conserved position in the protein, it is predicted to be benign by multiple in silico algorithms, and/or has population frequency not consistent with disease.

NM_002907.4(RECQL):c.-207C>T

Gene: RECQL (RecQ like helicase; minus strand). Cytogenetic location: 12p12.1.
Variant type: single nucleotide variant.
Coding change: c.-207C>T on transcript NM_002907.4 (MANE Select); 207 bases upstream of the start codon, C replaced by T.
Molecular consequence: 5 prime UTR variant. On other transcripts: intron variant (1).
Genome position (GRCh38, 1-based): chr12:21,501,331, G>A on the plus strand (C>T on the coding strand, the complement: RECQL is on the minus strand). VCF-style: chr12-21501331-G-A. GRCh37 (hg19) VCF-style: chr12-21654265-G-A.
Other names: c.-92+82C>T (NM_032941.3).
Identifiers: ClinVar variation 679753 (VCV000679753.1), dbSNP rs73071387, ClinGen allele CA233590048.